The following is an entry in ClinVar:

ClinVar aggregate classification (germline): Uncertain significance (1 of 4 stars; one submission).

Conditions:
Neuronal ceroid lipofuscinosis. Also called: Neuronal Ceroid Lipofuscinoses. Identifiers: Orphanet 216, Orphanet 79263, MedGen C0027877, MONDO:0016295. Disease mechanism: loss of function.

Submission:

Labcorp Genetics (formerly Invitae), Labcorp
Classification: Uncertain significance for Neuronal ceroid lipofuscinosis. Last evaluated: 2022-08-09. Review status: criteria provided, single submitter. Criteria: Invitae Variant Classification Sherloc (09022015). Collection method: clinical testing. Allele origin: germline.
Comment: Algorithms developed to predict the effect of missense changes on protein structure and function (SIFT, PolyPhen-2, Align-GVGD) all suggest that this variant is likely to be tolerated. This sequence change replaces aspartic acid, which is acidic and polar, with glutamic acid, which is acidic and polar, at codon 126 of the CTSD protein (p.Asp126Glu). This variant is not present in population databases (gnomAD no frequency). This variant has not been reported in the literature in individuals affected with CTSD-related conditions. In summary, the available evidence is currently insufficient to determine the role of this variant in disease. Therefore, it has been classified as a Variant of Uncertain Significance.

NM_001909.5(CTSD):c.378C>A (p.Asp126Glu)

Gene: CTSD (cathepsin D; minus strand). Cytogenetic location: 11p15.5.
Variant type: single nucleotide variant.
Coding change: c.378C>A on transcript NM_001909.5 (MANE Select); coding-DNA position 378, C replaced by A.
Protein change: p.Asp126Glu; replaces aspartic acid 126 with glutamic acid.
Molecular consequence: missense variant.
Genome position (GRCh38, 1-based): chr11:1,759,062, G>T on the plus strand (C>A on the coding strand, the complement: CTSD is on the minus strand). VCF-style: chr11-1759062-G-T. GRCh37 (hg19) VCF-style: chr11-1780292-G-T.
Other names: short protein forms D126E.
Identifiers: ClinVar variation 1715579 (VCV001715579.5), dbSNP rs2493826019, ClinGen allele CA379097634.